The following is an entry in ClinVar:

ClinVar aggregate classification (germline): Uncertain significance (1 of 4 stars; one submission).

Conditions:
Hereditary cancer-predisposing syndrome. Also called: Hereditary Cancer Syndrome; Hereditary neoplastic syndrome; Neoplastic Syndromes, Hereditary; Tumor predisposition. Identifiers: Orphanet 140162, MedGen C0027672, MeSH D009386, MONDO:0015356.

Submission:

Ambry Genetics
Classification: Uncertain significance for Hereditary cancer-predisposing syndrome. Last evaluated: 2025-06-14. Review status: criteria provided, single submitter. Criteria: Ambry Variant Classification Scheme 2023. Collection method: clinical testing. Allele origin: germline.
Comment: The p.G598D variant (also known as c.1793G>A), located in coding exon 15 of the MRE11A gene, results from a G to A substitution at nucleotide position 1793. The glycine at codon 598 is replaced by aspartic acid, an amino acid with similar properties. This amino acid position is conserved. In addition, this alteration is predicted to be tolerated by in silico analysis. Based on the available evidence, the clinical significance of this variant remains unclear.

NM_005591.4(MRE11):c.1793G>A (p.Gly598Asp)

Gene: MRE11 (MRE11 double strand break repair nuclease; minus strand). Cytogenetic location: 11q21.
Variant type: single nucleotide variant.
Coding change: c.1793G>A on transcript NM_005591.4 (MANE Select); coding-DNA position 1793, G replaced by A.
Protein change: p.Gly598Asp; replaces glycine 598 with aspartic acid.
Molecular consequence: missense variant. On other transcripts: intron variant (1).
Genome position (GRCh38, 1-based): chr11:94,445,884, C>T on the plus strand (G>A on the coding strand, the complement: MRE11 is on the minus strand). VCF-style: chr11-94445884-C-T. GRCh37 (hg19) VCF-style: chr11-94179050-C-T.
Other names: c.1790G>A, p.Gly597Asp (NM_001330347.2); c.1783+1335G>A (NM_005590.4); short protein forms G598D, G597D.
Identifiers: ClinVar variation 3912896 (VCV003912896.1).